The following is an entry in ClinVar:

Conditions:
Breast-ovarian cancer, familial, susceptibility to, 1 (BROVCA1). Also called: BRCA1 Hereditary Breast and Ovarian Cancer; OVARIAN CANCER, SUSCEPTIBILITY TO. Identifiers: Orphanet 145, MedGen C2676676, MONDO:0011450, OMIM 604370. Disease mechanism: loss of function.

Submission:

Brotman Baty Institute, University of Washington
No classification provided (evidence only). Condition: Breast-ovarian cancer, familial 1. Review status: no classification provided. Collection method: in vitro. Allele origin: not applicable. Functional consequence: functionally_normal.
ClinVar note: "not provided" was previously submitted as the classification for the variant. However, the classification appeared to be based only on an observation of functional data so it was converted to no classification on 2025-07-30.

NM_007294.4(BRCA1):c.254A>T (p.Glu85Val)

Gene: BRCA1 (BRCA1 DNA repair associated; minus strand). Cytogenetic location: 17q21.31.
Variant type: single nucleotide variant.
Coding change: c.254A>T on transcript NM_007294.4 (MANE Select); coding-DNA position 254, A replaced by T.
Protein change: p.Glu85Val; replaces glutamic acid 85 with valine.
Molecular consequence: missense variant. On other transcripts: non-coding transcript variant (1).
Genome position (GRCh38, 1-based): chr17:43,104,915, T>A on the plus strand (A>T on the coding strand, the complement: BRCA1 is on the minus strand). VCF-style: chr17-43104915-T-A. GRCh37 (hg19) VCF-style: chr17-41256932-T-A.
Other names: c.113A>T, p.Glu38Val (NM_001407936.1, NM_001407942.1, NM_001407943.1 and 99 more transcripts); c.254A>T, p.Glu85Val (NM_001407937.1, NM_001407938.1, NM_001407939.1 and 168 more transcripts); c.44A>T, p.Glu15Val (NM_001407946.1, NM_001407947.1, NM_001407948.1 and 58 more transcripts); c.-128A>T (NM_001407959.1, NM_001407960.1, NM_001407962.1 and 4 more transcripts); c.176A>T, p.Glu59Val (NM_001408409.1, NM_001408411.1, NM_001408412.1 and 21 more transcripts); c.122A>T, p.Glu41Val (NM_001408451.1); short protein forms E85V, E38V, E59V, E15V, E41V.
Identifiers: ClinVar variation 868808 (VCV000868808.3), dbSNP rs2054684634, ClinGen allele CA10601645.